The following is an entry in ClinVar:

NM_021815.5(SLC5A7):c.117C>A (p.Ser39Arg)

Gene: SLC5A7 (solute carrier family 5 member 7; plus strand). Cytogenetic location: 2q12.3.
Variant type: single nucleotide variant.
Coding change: c.117C>A on transcript NM_021815.5 (MANE Select); coding-DNA position 117, C replaced by A.
Protein change: p.Ser39Arg; replaces serine 39 with arginine.
Molecular consequence: missense variant. On other transcripts: 5 prime UTR variant (1), intron variant (1).
Genome position (GRCh38, 1-based): chr2:107,988,272, C>A. VCF-style: chr2-107988272-C-A. GRCh37 (hg19) VCF-style: chr2-108604728-C-A.
Other names: c.117C>A, p.Ser39Arg (NM_001305005.3); c.-588C>A (NM_001305007.3); c.-138+1509C>A (NM_001305006.3); short protein forms S39R.
Identifiers: ClinVar variation 2928740 (VCV002928740.3), dbSNP rs773055887, ClinGen allele CA348019923.

ClinVar aggregate classification (germline): Uncertain significance (1 of 4 stars; one submission).

Conditions:
Neuronopathy, distal hereditary motor, type 7A. Also called: Neuronopathy, distal hereditary motor, type viia; NEURONOPATHY, DISTAL HEREDITARY MOTOR, HARDING TYPE VIIA; NEUROPATHY, DISTAL HEREDITARY MOTOR, HARDING TYPE VIIA; Neuronopathy, distal hereditary motor, autosomal dominant 7; HARPER-YOUNG MYOPATHY; HMN VIIA. Identifiers: Orphanet 139589, MedGen C1834703, MONDO:0008024, OMIM 158580.
Congenital myasthenic syndrome 20. Also called: Myasthenic syndrome, congenital, 20, presynaptic. Identifiers: MedGen C4310694, MONDO:0014939, OMIM 617143.

Allele frequency attached by ClinVar (database versions not stated): TOPMed below 0.00001.

Submission:

Labcorp Genetics (formerly Invitae), Labcorp
Classification: Uncertain significance for Neuronopathy, distal hereditary motor, type 7A; Congenital myasthenic syndrome 20. Last evaluated: 2024-09-14. Review status: criteria provided, single submitter. Criteria: Invitae Variant Classification Sherloc (09022015). Collection method: clinical testing. Allele origin: germline.
Comment: This sequence change replaces serine, which is neutral and polar, with arginine, which is basic and polar, at codon 39 of the SLC5A7 protein (p.Ser39Arg). This variant is not present in population databases (gnomAD no frequency). This variant has not been reported in the literature in individuals affected with SLC5A7-related conditions. Invitae Evidence Modeling of protein sequence and biophysical properties (such as structural, functional, and spatial information, amino acid conservation, physicochemical variation, residue mobility, and thermodynamic stability) indicates that this missense variant is not expected to disrupt SLC5A7 protein function with a negative predictive value of 80%. In summary, the available evidence is currently insufficient to determine the role of this variant in disease. Therefore, it has been classified as a Variant of Uncertain Significance.